The following is an entry in ClinVar:

NM_175914.5(HNF4A):c.166G>A (p.Asp56Asn)

Gene: HNF4A (hepatocyte nuclear factor 4 alpha; plus strand). Cytogenetic location: 20q13.12.
Variant type: single nucleotide variant.
Coding change: c.166G>A on transcript NM_175914.5 (MANE Select); coding-DNA position 166, G replaced by A.
Protein change: p.Asp56Asn; replaces aspartic acid 56 with asparagine.
Molecular consequence: missense variant.
Genome position (GRCh38, 1-based): chr20:44,406,174, G>A. VCF-style: chr20-44406174-G-A. GRCh37 (hg19) VCF-style: chr20-43034814-G-A.
Other names: c.232G>A, p.Asp78Asn (NM_000457.6, NM_178849.3, NM_178850.3); c.166G>A, p.Asp56Asn (NM_001030003.3, NM_001030004.3); c.211G>A, p.Asp71Asn (NM_001258355.2); c.157G>A, p.Asp53Asn (NM_001287182.2, NM_001287183.2, NM_001287184.2); short protein forms D53N, D56N, D71N, D78N.
Identifiers: ClinVar variation 4072626 (VCV004072626.1).
Genomic context (GRCh38, chr20:44,406,174, plus strand): 5'-GCCCTGTGTGCCATCTGCGGGGACCGGGCCACGGGCAAACACTACGGTGCCTCGAGCTGT[G>A]ACGGCTGCAAGGGCTTCTTCCGGAGGAGCGTGCGGAAGAACCACATGTACTCCTGCAGGT-3'
Protein context (NP_787110.2, residues 46-66): TGKHYGASSC[Asp56Asn]GCKGFFRRSV

ClinVar aggregate classification (germline): Uncertain significance (1 of 4 stars; one submission).

Submission:

GeneDx
Classification: Uncertain significance. Last evaluated: 2025-01-31. Review status: criteria provided, single submitter. Criteria: GeneDx Variant Classification Process June 2021. Collection method: clinical testing. Allele origin: germline. Affected: yes.
Comment: Not observed at significant frequency in large population cohorts (gnomAD); In silico analysis supports that this missense variant has a deleterious effect on protein structure/function; Has not been previously published as pathogenic or benign to our knowledge; This variant is associated with the following publications: (PMID: 18829458)